The following is an entry in ClinVar:

ClinVar aggregate classification (germline): Uncertain significance (1 of 4 stars; one submission).

Conditions:
Spastic paraplegia. Identifiers: MedGen C0037772, HP:0001258.

gnomAD v4.1: 4 of 1,613,686 alleles (0.00025%); highest among the groups gnomAD compares: Non-Finnish European, 0.00034%; no homozygotes.

Submission:

Labcorp Genetics (formerly Invitae), Labcorp
Classification: Uncertain significance for Spastic paraplegia. Last evaluated: 2025-04-01. Review status: criteria provided, single submitter. Criteria: Invitae Variant Classification Sherloc (09022015). Collection method: clinical testing. Allele origin: germline.
Comment: This sequence change replaces lysine, which is basic and polar, with methionine, which is neutral and non-polar, at codon 2958 of the SACS protein (p.Lys2958Met). This variant is present in population databases (rs11839380, gnomAD 0.002%). This variant has not been reported in the literature in individuals affected with SACS-related conditions. Invitae Evidence Modeling of protein sequence and biophysical properties (such as structural, functional, and spatial information, amino acid conservation, physicochemical variation, residue mobility, and thermodynamic stability) indicates that this missense variant is not expected to disrupt SACS protein function with a negative predictive value of 95%. In summary, the available evidence is currently insufficient to determine the role of this variant in disease. Therefore, it has been classified as a Variant of Uncertain Significance.

NM_014363.6(SACS):c.8873A>T (p.Lys2958Met)

Gene: SACS (sacsin molecular chaperone; minus strand). Cytogenetic location: 13q12.12.
Variant type: single nucleotide variant.
Coding change: c.8873A>T on transcript NM_014363.6 (MANE Select); coding-DNA position 8873, A replaced by T.
Protein change: p.Lys2958Met; replaces lysine 2958 with methionine.
Molecular consequence: missense variant.
Genome position (GRCh38, 1-based): chr13:23,335,003, T>A on the plus strand (A>T on the coding strand, the complement: SACS is on the minus strand). VCF-style: chr13-23335003-T-A. GRCh37 (hg19) VCF-style: chr13-23909142-T-A.
Other names: c.8432A>T, p.Lys2811Met (NM_001278055.2); c.8900A>T, p.Lys2967Met (NM_001437336.1); short protein forms K2958M, K2811M, K2967M.
Identifiers: ClinVar variation 4738242 (VCV004738242.1).